The following is an entry in ClinVar:

NM_024422.6(DSC2):c.2050A>G (p.Arg684Gly)

Gene: DSC2 (desmocollin 2; minus strand). Cytogenetic location: 18q12.1.
Variant type: single nucleotide variant.
Coding change: c.2050A>G on transcript NM_024422.6 (MANE Select); coding-DNA position 2050, A replaced by G.
Protein change: p.Arg684Gly; replaces arginine 684 with glycine.
Molecular consequence: missense variant.
Genome position (GRCh38, 1-based): chr18:31,071,680, T>C on the plus strand (A>G on the coding strand, the complement: DSC2 is on the minus strand). VCF-style: chr18-31071680-T-C. GRCh37 (hg19) VCF-style: chr18-28651646-T-C.
Other names: c.1621A>G, p.Arg541Gly (NM_001406506.1, NM_001406507.1); c.2050A>G, p.Arg684Gly (NM_004949.5); short protein forms R541G, R684G.
Identifiers: ClinVar variation 4769847 (VCV004769847.1).
Genomic context (GRCh38, chr18:31,071,680, plus strand): 5'-TGCCCAACAATATTGCAAGGATGGCCCACTTTCCAAGTTGTACTCCTCCACCGCCAATCC[T>C]TGGATCTACACGATGTGTGCAGTCATTTTCGGTAATGCAGTCACACAGTGTAACATCCAA-3'
Protein context (NP_077740.1, residues 674-694): ENDCTHRVDP[Arg684Gly]IGGGGVQLGK

ClinVar aggregate classification (germline): Uncertain significance (1 of 4 stars; one submission).

Conditions:
Arrhythmogenic right ventricular dysplasia 11. Also called: ARRHYTHMOGENIC RIGHT VENTRICULAR DYSPLASIA, FAMILIAL, 11; Arrhythmogenic Right Ventricular Dysplasia/Cardiomyopathy11; Arrhythmogenic right ventricular dysplasia 11 with mild palmoplantar keratoderma and woolly hair. Identifiers: MedGen C1864850, MONDO:0012506, OMIM 610476.

gnomAD v4.1: 1 of 1,590,302 alleles (0.000063%); highest among the groups gnomAD compares: Admixed American, 0.0017%; no homozygotes.

Submission:

Labcorp Genetics (formerly Invitae), Labcorp
Classification: Uncertain significance for Arrhythmogenic right ventricular dysplasia 11. Last evaluated: 2025-10-18. Review status: criteria provided, single submitter. Criteria: Invitae Variant Classification Sherloc (09022015). Collection method: clinical testing. Allele origin: germline.
Comment: This sequence change replaces arginine, which is basic and polar, with glycine, which is neutral and non-polar, at codon 684 of the DSC2 protein (p.Arg684Gly). This variant is not present in population databases (gnomAD no frequency). This variant has not been reported in the literature in individuals affected with DSC2-related conditions. Invitae Evidence Modeling of protein sequence and biophysical properties (such as structural, functional, and spatial information, amino acid conservation, physicochemical variation, residue mobility, and thermodynamic stability) indicates that this missense variant is not expected to disrupt DSC2 protein function with a negative predictive value of 80%. In summary, the available evidence is currently insufficient to determine the role of this variant in disease. Therefore, it has been classified as a Variant of Uncertain Significance.